The following is an entry in ClinVar:

ClinVar aggregate classification (germline): Likely benign (1 of 4 stars; one submission).

Conditions:
Familial cancer of breast. Also called: Hereditary breast cancer; BREAST CANCER, FAMILIAL; hereditary breast carcinoma. Identifiers: Orphanet 227535, MedGen C0346153, MONDO:0016419, OMIM 114480. Disease mechanism: loss of function.

Submission:

Myriad Genetics, Inc.
Classification: Likely benign for Familial cancer of breast. Last evaluated: 2024-10-03. Review status: criteria provided, single submitter. Criteria: Myriad Autosomal Dominant, Autosomal Recessive and X-Linked Classification Criteria (2023). Collection method: clinical testing. Allele origin: unknown.
Comment: This variant is considered likely benign. This variant is intronic and is not expected to impact mRNA splicing.

NM_007194.4(CHEK2):c.593-10T>C

Gene: CHEK2 (checkpoint kinase 2; minus strand). Cytogenetic location: 22q12.1.
Variant type: single nucleotide variant.
Coding change: c.593-10T>C on transcript NM_007194.4 (MANE Select); 10 bases into the intron before coding-DNA position 593, T replaced by C.
Molecular consequence: intron variant.
Genome position (GRCh38, 1-based): chr22:28,719,495, A>G on the plus strand (T>C on the coding strand, the complement: CHEK2 is on the minus strand). VCF-style: chr22-28719495-A-G. GRCh37 (hg19) VCF-style: chr22-29115483-A-G.
Other names: c.-71-10T>C (NM_001437942.1, NM_001257387.3); c.482+5391T>C (NM_001349956.3); c.593-10T>C (NM_145862.3); c.686-10T>C (NM_001438295.1, NM_001438293.1); c.722-10T>C (NM_001438294.1, NM_001005735.3).
Identifiers: ClinVar variation 3773180 (VCV003773180.1).